The following is an entry in ClinVar:

NM_000722.4(CACNA2D1):c.1897T>C (p.Ser633Pro)

Gene: CACNA2D1 (calcium voltage-gated channel auxiliary subunit alpha2delta 1; minus strand). Cytogenetic location: 7q21.11.
Variant type: single nucleotide variant.
Coding change: c.1897T>C on transcript NM_000722.4 (MANE Select); coding-DNA position 1897, T replaced by C.
Protein change: p.Ser633Pro; replaces serine 633 with proline.
Molecular consequence: missense variant.
Genome position (GRCh38, 1-based): chr7:81,982,625, A>G on the plus strand (T>C on the coding strand, the complement: CACNA2D1 is on the minus strand). VCF-style: chr7-81982625-A-G. GRCh37 (hg19) VCF-style: chr7-81611941-A-G.
Other names: c.1933T>C, p.Ser645Pro (NM_001366867.1); short protein forms S645P, S633P.
Identifiers: ClinVar variation 1782189 (VCV001782189.2), dbSNP rs756810014, ClinGen allele CA4317823.

ClinVar aggregate classification (germline): Uncertain significance (1 of 4 stars; one submission).

Conditions:
Cardiovascular phenotype. Identifiers: MedGen CN230736.

Allele frequency attached by ClinVar (database versions not stated): ExAC 0.00001; gnomAD 0.00001; gnomAD exomes 0.00001.
gnomAD v4.1: 10 of 1,585,606 alleles (0.00063%); highest among the groups gnomAD compares: Non-Finnish European, 0.00087%; no homozygotes.

Submission:

Ambry Genetics
Classification: Uncertain significance for Cardiovascular phenotype. Last evaluated: 2021-10-11. Review status: criteria provided, single submitter. Criteria: Ambry Variant Classification Scheme 2023. Collection method: clinical testing. Allele origin: germline.
Comment: The p.S633P variant (also known as c.1897T>C), located in coding exon 24 of the CACNA2D1 gene, results from a T to C substitution at nucleotide position 1897. The serine at codon 633 is replaced by proline, an amino acid with similar properties. This amino acid position is conserved. In addition, the in silico prediction for this alteration is inconclusive. Since supporting evidence is limited at this time, the clinical significance of this alteration remains unclear.